The following is an entry in ClinVar:

NM_000075.4(CDK4):c.253C>T (p.Arg85Trp)

Gene: CDK4 (cyclin dependent kinase 4; minus strand). Cytogenetic location: 12q14.1.
Variant type: single nucleotide variant.
Coding change: c.253C>T on transcript NM_000075.4 (MANE Select); coding-DNA position 253, C replaced by T.
Protein change: p.Arg85Trp; replaces arginine 85 with tryptophan.
Molecular consequence: missense variant.
Genome position (GRCh38, 1-based): chr12:57,751,308, G>A on the plus strand (C>T on the coding strand, the complement: CDK4 is on the minus strand). VCF-style: chr12-57751308-G-A. GRCh37 (hg19) VCF-style: chr12-58145091-G-A.
Other names: c.253C>T (NM_000075.3); short protein forms R85W.
Identifiers: ClinVar variation 1520492 (VCV001520492.6), dbSNP rs759017803, ClinGen allele CA6657852.
Genomic context (GRCh38, chr12:57,751,308, plus strand): 5'-CCAGATATGTCCTTAGGTCCTGGTCTACATGCTCAAACACCAGGGTTACCTTGATCTCCC[G>A]GTCAGTTCGGGATGTGGCACAGACGTCCATCAGCCTGACCAGAGTAAATGCTCACTTTTC-3'
Protein context (NP_000066.1, residues 75-95): MDVCATSRTD[Arg85Trp]EIKVTLVFEH

ClinVar aggregate classification (germline): Uncertain significance. Review status: criteria provided, multiple submitters, no conflicts (2 of 4 stars). 2 submissions from 2 submitters: Uncertain significance (2). Last evaluated 2025-05-18.

Conditions:
Familial melanoma. Also called: Hereditary melanoma; Hereditary cutaneous melanoma. Identifiers: Orphanet 618, MedGen C1512419, MONDO:0018961.
Hereditary cancer-predisposing syndrome. Also called: Hereditary neoplastic syndrome; Hereditary Cancer Syndrome; Tumor predisposition; Neoplastic Syndromes, Hereditary. Identifiers: Orphanet 140162, MedGen C0027672, MeSH D009386, MONDO:0015356.

Allele frequency attached by ClinVar (database versions not stated): gnomAD exomes below 0.00001; ExAC 0.00001; gnomAD 0.00001.
gnomAD v4.1: 3 of 1,613,970 alleles (0.00019%); highest among the groups gnomAD compares: South Asian, 0.0011%; no homozygotes.

Submissions (2):

Labcorp Genetics (formerly Invitae), Labcorp
Classification: Uncertain significance for Familial melanoma. Last evaluated: 2025-05-18. Review status: criteria provided, single submitter. Criteria: Invitae Variant Classification Sherloc (09022015). Collection method: clinical testing. Allele origin: germline.
Comment: This sequence change replaces arginine, which is basic and polar, with tryptophan, which is neutral and slightly polar, at codon 85 of the CDK4 protein (p.Arg85Trp). This variant is present in population databases (rs759017803, gnomAD 0.01%). This variant has not been reported in the literature in individuals affected with CDK4-related conditions. ClinVar contains an entry for this variant (Variation ID: 1520492). Invitae Evidence Modeling of protein sequence and biophysical properties (such as structural, functional, and spatial information, amino acid conservation, physicochemical variation, residue mobility, and thermodynamic stability) indicates that this missense variant is not expected to disrupt CDK4 protein function with a negative predictive value of 95%. In summary, the available evidence is currently insufficient to determine the role of this variant in disease. Therefore, it has been classified as a Variant of Uncertain Significance.

Ambry Genetics
Classification: Uncertain significance for Hereditary cancer-predisposing syndrome. Last evaluated: 2023-11-15. Review status: criteria provided, single submitter. Criteria: Ambry Variant Classification Scheme 2023. Collection method: clinical testing. Allele origin: germline.
Comment: The p.R85W variant (also known as c.253C>T), located in coding exon 2 of the CDK4 gene, results from a C to T substitution at nucleotide position 253. The arginine at codon 85 is replaced by tryptophan, an amino acid with dissimilar properties. This amino acid position is not well conserved in available vertebrate species. In addition, the in silico prediction for this alteration is inconclusive. Since supporting evidence is limited at this time, the clinical significance of this alteration remains unclear.